The following is an entry in ClinVar:

ClinVar aggregate classification (germline): Benign. Review status: criteria provided, multiple submitters, no conflicts (2 of 4 stars). 2 submissions from 2 submitters: Benign (2). Last evaluated 2018-01-13.

Conditions:
Disorders of Intracellular Cobalamin Metabolism. Identifiers: MedGen CN043592.

Allele frequency attached by ClinVar (database versions not stated): gnomAD 0.66049; TOPMed 0.67275; gnomAD exomes 0.70455; 1000 Genomes Project 30x 0.73985; 1000 Genomes Project 0.74381.

Submissions (2):

Illumina Laboratory Services, Illumina
Classification: Benign for Disorders of Intracellular Cobalamin Metabolism. Last evaluated: 2018-01-13. Review status: criteria provided, single submitter. Criteria: ICSL Variant Classification Criteria 13 December 2019. Collection method: clinical testing. Allele origin: germline.
Comment: This variant was observed in the ICSL laboratory as part of a predisposition screen in an ostensibly healthy population. It had not been previously curated by ICSL or reported in the Human Gene Mutation Database (HGMD: prior to June 1st, 2018), and was therefore a candidate for classification through an automated scoring system. Utilizing variant allele frequency, disease prevalence and penetrance estimates, and inheritance mode, an automated score was calculated to assess if this variant is too frequent to cause the disease. Based on the score and internal cut-off values, a variant classified as benign is not then subjected to further curation. The score for this variant resulted in a classification of benign for this disease.

Breakthrough Genomics
Classification: Benign. Review status: criteria provided, single submitter. Criteria: ACMG Guidelines, 2015. Collection method: not provided. Allele origin: germline. Inheritance: Autosomal recessive inheritance. Affected: yes.

NM_015506.3(MMACHC):c.*1260G>A

Gene: MMACHC (metabolism of cobalamin associated C; plus strand). Cytogenetic location: 1p34.1.
Variant type: single nucleotide variant.
Coding change: c.*1260G>A on transcript NM_015506.3 (MANE Select); 1260 bases downstream of the stop codon, G replaced by A.
Molecular consequence: 3 prime UTR variant.
Genome position (GRCh38, 1-based): chr1:45,510,475, G>A. VCF-style: chr1-45510475-G-A. GRCh37 (hg19) VCF-style: chr1-45976147-G-A.
Other names: c.*1260G>A (NM_001330540.2).
Identifiers: ClinVar variation 297522 (VCV000297522.6), dbSNP rs882803, ClinGen allele CA10610059.
Genomic context (GRCh38, chr1:45,510,475, plus strand): 5'-GCCAGGCACTGTGGCGCTCACCTGTAATCCCACCATTTTGGGAGGCTGAGGCGGAGGACC[G>A]CCTGAGGCAAGGAATTCAGAACCACTCTGGGCAACATAATGACACTAAAAAAGACTATCT-3'